The following is an entry in ClinVar:

ClinVar aggregate classification (germline): Likely pathogenic. Review status: reviewed by expert panel (3 of 4 stars). 2 submissions from 2 submitters: Likely pathogenic (1). 1 of the submissions does not count toward it. Last evaluated 2020-03-15.

Conditions:
Phenylketonuria (PKU). Also called: OLIGOPHRENIA PHENYLPYRUVICA; Phenylketonurias; Phenylketonuria (PKU); FOLLING DISEASE. Identifiers: Orphanet 716, MedGen C0031485, MONDO:0009861, OMIM 261600. Disease mechanism: loss of function.

Submissions (2):

ClinGen PAH Variant Curation Expert Panel
Classification: Likely pathogenic for Phenylketonuria. Last evaluated: 2020-03-15. Review status: reviewed by expert panel. Criteria: ClinGen PAH ACMG Specifications v1. Collection method: curation. Allele origin: germline. Inheritance: Autosomal recessive inheritance.
Comment: The c.755G>C (p.Arg252Pro) variant in PAH has been reported in multiple individuals with PKU (BH4 deficiency excluded, PMID: 21307867). This variant is absent in population databases. This variant was detected in trans with pathogenic variant p.Arg243Gln (PMID: 29316886). Computational evidence supports a deleterious effect. Other missense variants at the p.Arg252 amino acid are pathogenic (p.Arg252Gln/Trp/Gly). In summary, this variant meets criteria to be classified as likely pathogenic for PAH. PAH-specific ACMG/AMP criteria applied: PP4_Moderate, PM2, PM3, PM5, PP3.

Labcorp Genetics (formerly Invitae), Labcorp
Classification: Pathogenic for Phenylketonuria. Last evaluated: 2023-10-11. Review status: criteria provided, single submitter. Criteria: Invitae Variant Classification Sherloc (09022015). Collection method: clinical testing. Allele origin: germline. Not counted in ClinVar's aggregate classification.
Comment: This sequence change replaces arginine, which is basic and polar, with proline, which is neutral and non-polar, at codon 252 of the PAH protein (p.Arg252Pro). This variant is not present in population databases (gnomAD no frequency). This missense change has been observed in individual(s) with hyperphenylalaninemia (PMID: 15319459, 21307867, 28982351, 29176022). ClinVar contains an entry for this variant (Variation ID: 932252). Advanced modeling of protein sequence and biophysical properties (such as structural, functional, and spatial information, amino acid conservation, physicochemical variation, residue mobility, and thermodynamic stability) performed at Invitae indicates that this missense variant is expected to disrupt PAH protein function. This variant disrupts the p.Arg252 amino acid residue in PAH. Other variant(s) that disrupt this residue have been determined to be pathogenic (PMID: 2574153, 8116675, 17096675, 20082265, 25596310; Invitae). This suggests that this residue is clinically significant, and that variants that disrupt this residue are likely to be disease-causing. For these reasons, this variant has been classified as Pathogenic.

Literature cited by the submitters: PubMed 29316886 (cited by ClinGen PAH Variant Curation Expert Panel); PubMed 21307867 (cited by ClinGen PAH Variant Curation Expert Panel and Labcorp Genetics (formerly Invitae), Labcorp); PubMed 15319459 (cited by Labcorp Genetics (formerly Invitae), Labcorp); PubMed 28982351 (cited by Labcorp Genetics (formerly Invitae), Labcorp); PubMed 29176022 (cited by Labcorp Genetics (formerly Invitae), Labcorp); PubMed 2574153 (cited by Labcorp Genetics (formerly Invitae), Labcorp); PubMed 8116675 (cited by Labcorp Genetics (formerly Invitae), Labcorp); PubMed 17096675 (cited by Labcorp Genetics (formerly Invitae), Labcorp); PubMed 20082265 (cited by Labcorp Genetics (formerly Invitae), Labcorp); PubMed 25596310 (cited by Labcorp Genetics (formerly Invitae), Labcorp).

NM_000277.3(PAH):c.755G>C (p.Arg252Pro)

Gene: PAH (phenylalanine hydroxylase; minus strand). Cytogenetic location: 12q23.2.
Variant type: single nucleotide variant.
Coding change: c.755G>C on transcript NM_000277.3 (MANE Select); coding-DNA position 755, G replaced by C.
Protein change: p.Arg252Pro; replaces arginine 252 with proline.
Molecular consequence: missense variant.
Genome position (GRCh38, 1-based): chr12:102,852,902, C>G on the plus strand (G>C on the coding strand, the complement: PAH is on the minus strand). VCF-style: chr12-102852902-C-G. GRCh37 (hg19) VCF-style: chr12-103246680-C-G.
Other names: c.755G>C, p.Arg252Pro (NM_001354304.2); short protein forms R252P.
Identifiers: ClinVar variation 932252 (VCV000932252.4), dbSNP rs62644503, ClinGen allele CA16020854.